The following is an entry in ClinVar:

NM_001387430.1(SH2B1):c.1932T>A (p.Pro644=)

Gene: SH2B1 (SH2B adaptor protein 1; plus strand). Cytogenetic location: 16p11.2.
Variant type: single nucleotide variant.
Coding change: c.1932T>A on transcript NM_001387430.1 (MANE Select); coding-DNA position 1932, T replaced by A.
Protein change: p.Pro644=; no amino-acid change (proline 644 retained).
Molecular consequence: synonymous variant. On other transcripts: 3 prime UTR variant (5).
Genome position (GRCh38, 1-based): chr16:28,873,481, T>A. VCF-style: chr16-28873481-T-A. GRCh37 (hg19) VCF-style: chr16-28884802-T-A.
Other names: c.1932T>A, p.Pro644= (NM_001145795.2, NM_001308293.2, NM_001387404.1); c.*16T>A (NM_001145796.2, NM_001145812.2, NM_001308294.2 and 1 more transcripts); c.*33T>A (NM_001145797.2).
Identifiers: ClinVar variation 3046231 (VCV003046231.2), dbSNP rs1963163079, ClinGen allele CA494873493.

ClinVar aggregate classification (germline): Likely benign (0 of 4 stars; one submission).

Conditions:
SH2B1-related disorder. Also called: SH2B1-related condition.

Submission:

PreventionGenetics, part of Exact Sciences
Classification: Likely benign for SH2B1-related condition. Last evaluated: 2021-09-02. Review status: no assertion criteria provided. Collection method: clinical testing. Allele origin: germline.
Comment: This variant is classified as likely benign based on ACMG/AMP sequence variant interpretation guidelines (Richards et al. 2015 PMID: 25741868, with internal and published modifications).